The following is an entry in ClinVar:

NM_015570.4(AUTS2):c.2318C>G (p.Ser773Ter)

Gene: AUTS2 (activator of transcription and developmental regulator AUTS2; plus strand). Cytogenetic location: 7q11.22.
Variant type: single nucleotide variant.
Coding change: c.2318C>G on transcript NM_015570.4 (MANE Select); coding-DNA position 2318, C replaced by G.
Protein change: p.Ser773Ter; replaces serine 773 with a stop codon.
Molecular consequence: nonsense.
Genome position (GRCh38, 1-based): chr7:70,787,218, C>G. VCF-style: chr7-70787218-C-G. GRCh37 (hg19) VCF-style: chr7-70252204-C-G.
Other names: c.2246C>G, p.Ser749Ter (NM_001127231.3); short protein forms S749*, S773*.
Identifiers: ClinVar variation 5019531 (VCV005019531.2).

ClinVar aggregate classification (germline): Pathogenic (1 of 4 stars; one submission).

Conditions:
Autism spectrum disorder due to AUTS2 deficiency (MRD26). Also called: INTELLECTUAL DEVELOPMENTAL DISORDER, AUTOSOMAL DOMINANT 26. Identifiers: Orphanet 352490, MedGen C4014435, MONDO:0014361, OMIM 615834.

Submission:

Juno Genomics, Hangzhou Juno Genomics, Inc
Classification: Pathogenic for Autism spectrum disorder due to AUTS2 deficiency. Review status: criteria provided, single submitter. Criteria: ACMG Guidelines, 2015. Collection method: clinical testing. Allele origin: germline.
Comment: Absent from controls (or at extremely low frequency if recessive) in Genome Aggregation Database.;De novo (both maternity and paternity confirmed) in a patient with the disease and no family history.;Null variant in a gene where loss of function (LOF) is a known mechanism of disease.